The following is an entry in ClinVar:

NM_001232.4(CASQ2):c.1026C>T (p.Val342=)

Gene: CASQ2 (calsequestrin 2; minus strand). Cytogenetic location: 1p13.1.
Variant type: single nucleotide variant.
Coding change: c.1026C>T on transcript NM_001232.4 (MANE Select); coding-DNA position 1026, C replaced by T.
Protein change: p.Val342=; no amino-acid change (valine 342 retained).
Molecular consequence: synonymous variant.
Genome position (GRCh38, 1-based): chr1:115,701,415, G>A on the plus strand (C>T on the coding strand, the complement: CASQ2 is on the minus strand). VCF-style: chr1-115701415-G-A. GRCh37 (hg19) VCF-style: chr1-116244036-G-A.
Identifiers: ClinVar variation 505012 (VCV000505012.7), dbSNP rs774882087, ClinGen allele CA1023631.

ClinVar aggregate classification (germline): Likely benign. Review status: criteria provided, multiple submitters, no conflicts (2 of 4 stars). 3 submissions from 3 submitters: Likely benign (3). Last evaluated 2026-04-11.

Conditions:
Cardiovascular phenotype. Identifiers: MedGen CN230736.

Allele frequency attached by ClinVar (database versions not stated): gnomAD exomes below 0.00001 and 0.00001; TOPMed 0.00001; ExAC 0.00002.
gnomAD v4.1: 3 of 1,611,948 alleles (0.00019%); highest among the groups gnomAD compares: Admixed American, 0.0033%; no homozygotes.

Submissions (3):

Ambry Genetics
Classification: Likely benign for Cardiovascular phenotype. Last evaluated: 2026-04-11. Review status: criteria provided, single submitter. Criteria: Ambry Variant Classification Scheme 2023. Collection method: clinical testing. Allele origin: germline.

CeGaT Center for Human Genetics Tuebingen
Classification: Likely benign. Last evaluated: 2026-04-01. Review status: criteria provided, single submitter. Criteria: CeGaT Center For Human Genetics Tuebingen Variant Classification Criteria Version 2. Collection method: clinical testing. Allele origin: germline. Affected: yes. Observed: 1 variant allele.
Comment: CASQ2: BP4, BP7

Laboratory for Molecular Medicine, Mass General Brigham Personalized Medicine
Classification: Likely benign. Last evaluated: 2016-05-06. Review status: criteria provided, single submitter. Criteria: LMM Criteria. Collection method: clinical testing. Allele origin: germline. Observed: 1 variant allele.
Comment: p.Val342Val in exon 11 of CASQ2: This variant is not expected to have clinical s ignificance because it does not alter an amino acid residue and is not located w ithin the splice consensus sequence. It has been identified in 2/11258 Latino ch romosomes by the Exome Aggregation Consortium (ExAC. org; dbSNP rs774882087).